The following is an entry in ClinVar:

NM_001128178.3(NPHP1):c.522+5_522+8del

Gene: NPHP1 (nephrocystin 1; minus strand). Cytogenetic location: 2q13.
Variant type: Microsatellite.
Coding change: c.522+5_522+8del on transcript NM_001128178.3 (MANE Select); bases 5 to 8 of the intron after coding-DNA position 522, 4 bases deleted (GTAG; older notation c.522+5_522+8delGTAG).
Molecular consequence: splice donor variant.
Genome position (GRCh38, 1-based): chr2:110,169,798-110,169,801, CTAC deleted on the plus strand (GTAG on the coding strand, the reverse complement: NPHP1 is on the minus strand); deleting any 4 consecutive bases within chr2:110,169,798-110,169,807 gives the same sequence; the c. name uses the placement nearest the transcript's 3' end. VCF-style (leftmost placement, unchanged base first): chr2-110169797-TCTAC-T. GRCh37 (hg19) VCF-style: chr2-110927374-TCTAC-T.
Other names: c.522+5_522+8delGTAG (NM_000272.3); c.336+5_336+8del (NM_001128179.3); c.522+5_522+8del (NM_001374256.1, NM_001374257.1, NM_207181.4 and 1 more transcripts).
Identifiers: ClinVar variation 1018449 (VCV001018449.7), dbSNP rs1411070570, ClinGen allele CA535594012.

ClinVar aggregate classification (germline): Conflicting classifications of pathogenicity. Review status: criteria provided, conflicting classifications (1 of 4 stars). 4 submissions from 4 submitters: Uncertain significance (3); Likely benign (1). Last evaluated 2025-01-04.

Conditions:
NPHP1-related disorder. Also called: NPHP1-related disorders; NPHP1-related condition.
Nephronophthisis. Also called: Juvenile Nephronophthisis. Identifiers: Orphanet 655, MedGen C0687120, MONDO:0019005, HP:0000090.
Senior-Loken syndrome 1 (SLSN1). Also called: JUVENILE NEPHRONOPHTHISIS WITH LEBER AMAUROSIS. Identifiers: Orphanet 3156, MedGen C4551559, MONDO:0009962, OMIM 266900.
Joubert syndrome with renal defect. Also called: JOUBERT SYNDROME 4. Identifiers: Orphanet 220497, MedGen C1846790, MONDO:0012308, OMIM 609583.
Nephronophthisis 1 (NPHP1). Also called: Nephronophthisis familial juvenile. Identifiers: Orphanet 655, Orphanet 93592, MedGen C1855681, MONDO:0009728, OMIM 256100.

Submissions (4):

PreventionGenetics, part of Exact Sciences
Classification: Likely benign for NPHP1-related condition. Last evaluated: 2025-01-04. Review status: criteria provided, single submitter. Criteria: ACMG Guidelines, 2015. Collection method: clinical testing. Allele origin: germline.
Comment: This variant is classified as likely benign based on ACMG/AMP sequence variant interpretation guidelines (Richards et al. 2015 PMID: 25741868, with internal and published modifications).

Labcorp Genetics (formerly Invitae), Labcorp
Classification: Uncertain significance for Nephronophthisis. Last evaluated: 2022-06-20. Review status: criteria provided, single submitter. Criteria: Invitae Variant Classification Sherloc (09022015). Collection method: clinical testing. Allele origin: germline.
Comment: This sequence change falls in intron 5 of the NPHP1 gene. It does not directly change the encoded amino acid sequence of the NPHP1 protein. It affects a nucleotide within the consensus splice site. This variant is present in population databases (no rsID available, gnomAD 0.004%). This variant has not been reported in the literature in individuals affected with NPHP1-related conditions. Variants that disrupt the consensus splice site are a relatively common cause of aberrant splicing (PMID: 17576681, 9536098). Algorithms developed to predict the effect of sequence changes on RNA splicing suggest that this variant is not likely to affect RNA splicing. In summary, the available evidence is currently insufficient to determine the role of this variant in disease. Therefore, it has been classified as a Variant of Uncertain Significance.

Fulgent Genetics
Classification: Uncertain significance for Nephronophthisis 1; Senior-Loken syndrome 1; Joubert syndrome with renal defect. Last evaluated: 2021-10-08. Review status: criteria provided, single submitter. Criteria: ACMG Guidelines, 2015. Collection method: clinical testing. Allele origin: unknown.

Blueprint Genetics
Classification: Uncertain significance. Last evaluated: 2021-08-09. Review status: criteria provided, single submitter. Criteria: ACMG Guidelines, 2015. Collection method: clinical testing. Allele origin: germline.

Literature cited by the submitters: PubMed 17576681 (cited by Labcorp Genetics (formerly Invitae), Labcorp); PubMed 9536098 (cited by Labcorp Genetics (formerly Invitae), Labcorp).